The following is an entry in ClinVar:

ClinVar aggregate classification (germline): Uncertain significance (0 of 4 stars; one submission).

Conditions:
PTK7-related disorder. Also called: PTK7-related condition.

Allele frequency attached by ClinVar (database versions not stated): gnomAD exomes below 0.00001.
gnomAD v4.1: 2 of 1,573,588 alleles (0.00013%); highest among the groups gnomAD compares: Non-Finnish European, 0.00017%; no homozygotes.

Submission:

PreventionGenetics, part of Exact Sciences
Classification: Uncertain significance for PTK7-related condition. Last evaluated: 2023-10-24. Review status: no assertion criteria provided. Collection method: clinical testing. Allele origin: germline.
Comment: The PTK7 c.26C>T variant is predicted to result in the amino acid substitution p.Ala9Val. To our knowledge, this variant has not been reported in the literature or in a large population database, indicating this variant is rare. At this time, the clinical significance of this variant is uncertain due to the absence of conclusive functional and genetic evidence.

NM_002821.5(PTK7):c.26C>T (p.Ala9Val)

Gene: PTK7 (protein tyrosine kinase 7 (inactive); plus strand). Cytogenetic location: 6p21.1.
Variant type: single nucleotide variant.
Coding change: c.26C>T on transcript NM_002821.5 (MANE Select); coding-DNA position 26, C replaced by T.
Protein change: p.Ala9Val; replaces alanine 9 with valine.
Molecular consequence: missense variant. On other transcripts: non-coding transcript variant (2).
Genome position (GRCh38, 1-based): chr6:43,076,514, C>T. VCF-style: chr6-43076514-C-T. GRCh37 (hg19) VCF-style: chr6-43044252-C-T.
Other names: c.26C>T, p.Ala9Val (NM_152880.4, NM_152881.4, NM_152882.4); short protein forms A9V.
Identifiers: ClinVar variation 3031818 (VCV003031818.2), dbSNP rs2532908166, ClinGen allele CA364156781.